The following is an entry in ClinVar:

ClinVar aggregate classification (germline): Uncertain significance (1 of 4 stars; one submission).

Allele frequency attached by ClinVar (database versions not stated): gnomAD exomes below 0.00001.
gnomAD v4.1: 3 of 1,595,456 alleles (0.00019%); highest among the groups gnomAD compares: East Asian, 0.0067%; no homozygotes.

Submission:

Labcorp Genetics (formerly Invitae), Labcorp
Classification: Uncertain significance. Last evaluated: 2022-06-07. Review status: criteria provided, single submitter. Criteria: Invitae Variant Classification Sherloc (09022015). Collection method: clinical testing. Allele origin: germline.
Comment: This sequence change replaces glycine, which is neutral and non-polar, with valine, which is neutral and non-polar, at codon 181 of the C5 protein (p.Gly181Val). In summary, the available evidence is currently insufficient to determine the role of this variant in disease. Therefore, it has been classified as a Variant of Uncertain Significance. Algorithms developed to predict the effect of missense changes on protein structure and function are either unavailable or do not agree on the potential impact of this missense change (SIFT: "Deleterious"; PolyPhen-2: "Probably Damaging"; Align-GVGD: "Class C0"). This variant has not been reported in the literature in individuals affected with C5-related conditions. This variant is present in population databases (rs780480348, gnomAD 0.01%).

NM_001735.3(C5):c.542G>T (p.Gly181Val)

Gene: C5 (complement C5; minus strand). Cytogenetic location: 9q33.2.
Variant type: single nucleotide variant.
Coding change: c.542G>T on transcript NM_001735.3 (MANE Select); coding-DNA position 542, G replaced by T.
Protein change: p.Gly181Val; replaces glycine 181 with valine.
Molecular consequence: missense variant.
Genome position (GRCh38, 1-based): chr9:121,034,845, C>A on the plus strand (G>T on the coding strand, the complement: C5 is on the minus strand). VCF-style: chr9-121034845-C-A. GRCh37 (hg19) VCF-style: chr9-123797123-C-A.
Other names: c.560G>T, p.Gly187Val (NM_001317163.2); c.542G>T, p.Gly181Val (NM_001317164.2); short protein forms G187V, G181V.
Identifiers: ClinVar variation 2071555 (VCV002071555.4), dbSNP rs780480348, ClinGen allele CA5218357.